The following is an entry in ClinVar:

ClinVar aggregate classification (germline): Uncertain significance (1 of 4 stars; one submission).

Conditions:
Succinyl-CoA acetoacetate transferase deficiency (SCOTD). Also called: 3-Oxoacid CoA Transferase Deficiency; KETOACIDOSIS DUE TO SCOT DEFICIENCY; SCOT DEFICIENCY; SUCCINYL-CoA:3-KETOACID CoA-TRANSFERASE DEFICIENCY; Succinyl CoA:3-oxoacid CoA transferase deficiency. Identifiers: Orphanet 832, MedGen C0342792, MONDO:0009492, OMIM 245050.

Allele frequency attached by ClinVar (database versions not stated): gnomAD 0.00001; ExAC 0.00003; gnomAD exomes 0.00003 and 0.00005.
gnomAD v4.1: 79 of 1,612,572 alleles (0.0049%); highest among the groups gnomAD compares: Non-Finnish European, 0.0063%; no homozygotes.

Submission:

Labcorp Genetics (formerly Invitae), Labcorp
Classification: Uncertain significance for Succinyl-CoA acetoacetate transferase deficiency. Last evaluated: 2021-02-03. Review status: criteria provided, single submitter. Criteria: Invitae Variant Classification Sherloc (09022015). Collection method: clinical testing. Allele origin: germline.
Comment: In summary, the available evidence is currently insufficient to determine the role of this variant in disease. Therefore, it has been classified as a Variant of Uncertain Significance. Algorithms developed to predict the effect of missense changes on protein structure and function output the following: SIFT: "Tolerated"; PolyPhen-2: "Benign"; Align-GVGD: "Class C0". The isoleucine amino acid residue is found in multiple mammalian species, suggesting that this missense change does not adversely affect protein function. These predictions have not been confirmed by published functional studies and their clinical significance is uncertain. This variant has not been reported in the literature in individuals with OXCT1-related conditions. This variant is present in population databases (rs778813276, ExAC 0.009%). This sequence change replaces valine with isoleucine at codon 498 of the OXCT1 protein (p.Val498Ile). The valine residue is weakly conserved and there is a small physicochemical difference between valine and isoleucine.

NM_000436.4(OXCT1):c.1492G>A (p.Val498Ile)

Gene: OXCT1 (3-oxoacid CoA-transferase 1; minus strand). Cytogenetic location: 5p13.1.
Variant type: single nucleotide variant.
Coding change: c.1492G>A on transcript NM_000436.4 (MANE Select); coding-DNA position 1492, G replaced by A.
Protein change: p.Val498Ile; replaces valine 498 with isoleucine.
Molecular consequence: missense variant. On other transcripts: non-coding transcript variant (1).
Genome position (GRCh38, 1-based): chr5:41,739,419, C>T on the plus strand (G>A on the coding strand, the complement: OXCT1 is on the minus strand). VCF-style: chr5-41739419-C-T. GRCh37 (hg19) VCF-style: chr5-41739521-C-T.
Other names: c.1513G>A, p.Val505Ile (NM_001364299.2, NM_001364300.2); c.1486G>A, p.Val496Ile (NM_001364301.2); c.1402G>A, p.Val468Ile (NM_001364302.2); c.934G>A, p.Val312Ile (NM_001364303.2); short protein forms V468I, V496I, V505I, V312I, V498I.
Identifiers: ClinVar variation 1372826 (VCV001372826.8), dbSNP rs778813276, ClinGen allele CA3253259.
Genomic context (GRCh38, chr5:41,739,419, plus strand): 5'-AGTGTCTGGATTTGTTCACAGAAATACTTACTGCAAAATCACACCCAGTACTCTTCTGTA[C>T]GTCATCCACTGTCAGGCCTTCCCAGAGCTCAATCAGAGTCAACCCTTTCTTCTTGTCCAC-3'
Protein context (NP_000427.1, residues 488-508): ELWEGLTVDD[Val498Ile]QKSTGCDFAV